The following is an entry in ClinVar:

ClinVar aggregate classification (germline): Uncertain significance. Review status: criteria provided, multiple submitters, no conflicts (2 of 4 stars). 2 submissions from 2 submitters: Uncertain significance (2). Last evaluated 2025-06-12.

Conditions:
Familial Mediterranean fever, autosomal dominant. Also called: FMF, AUTOSOMAL DOMINANT; Dominant Familial Mediterranean Fever. Identifiers: Orphanet 342, MedGen C1851347, MONDO:0007601, OMIM 134610.
Acute febrile neutrophilic dermatosis (AFND). Also called: Sweet Syndrome; Gomm Button disease. Identifiers: Orphanet 3243, MedGen C0085077, MONDO:0011959, OMIM 608068.
Familial Mediterranean fever (FMF). Also called: POLYSEROSITIS, FAMILIAL PAROXYSMAL; POLYSEROSITIS, RECURRENT; Periodic peritonitis; Benign paroxysmal peritonitis. Identifiers: Orphanet 342, MedGen C0031069, MONDO:0018088, OMIM 249100. Disease mechanism: gain of function.

Allele frequency attached by ClinVar (database versions not stated): gnomAD exomes 0.00001; gnomAD 0.00005; ESP Exome Variant Server 0.00015; TOPMed 0.00008; ExAC 0.00002.
gnomAD v4.1: 19 of 1,614,124 alleles (0.0012%); highest among the groups gnomAD compares: African/African-American, 0.021%; no homozygotes.

Submissions (2):

Labcorp Genetics (formerly Invitae), Labcorp
Classification: Uncertain significance for Familial Mediterranean fever. Last evaluated: 2025-06-12. Review status: criteria provided, single submitter. Criteria: Invitae Variant Classification Sherloc (09022015). Collection method: clinical testing. Allele origin: germline.
Comment: This sequence change replaces proline, which is neutral and non-polar, with serine, which is neutral and polar, at codon 254 of the MEFV protein (p.Pro254Ser). This variant is present in population databases (rs147421301, gnomAD 0.02%). This variant has not been reported in the literature in individuals affected with MEFV-related conditions. ClinVar contains an entry for this variant (Variation ID: 1935964). An algorithm developed to predict the effect of missense changes on protein structure and function outputs the following: PolyPhen-2: "Benign". The serine amino acid residue is found in multiple mammalian species, which suggests that this missense change does not adversely affect protein function. In summary, the available evidence is currently insufficient to determine the role of this variant in disease. Therefore, it has been classified as a Variant of Uncertain Significance.

Fulgent Genetics
Classification: Uncertain significance for Familial Mediterranean fever, autosomal dominant; Familial Mediterranean fever; Acute febrile neutrophilic dermatosis. Last evaluated: 2024-02-06. Review status: criteria provided, single submitter. Criteria: ACMG Guidelines, 2015. Collection method: clinical testing. Allele origin: germline.

NM_000243.3(MEFV):c.760C>T (p.Pro254Ser)

Gene: MEFV (MEFV innate immunity regulator, pyrin; minus strand). Cytogenetic location: 16p13.3.
Variant type: single nucleotide variant.
Coding change: c.760C>T on transcript NM_000243.3 (MANE Select); coding-DNA position 760, C replaced by T.
Protein change: p.Pro254Ser; replaces proline 254 with serine.
Molecular consequence: missense variant. On other transcripts: intron variant (1).
Genome position (GRCh38, 1-based): chr16:3,254,308, G>A on the plus strand (C>T on the coding strand, the complement: MEFV is on the minus strand). VCF-style: chr16-3254308-G-A. GRCh37 (hg19) VCF-style: chr16-3304308-G-A.
Other names: c.277+2003C>T (NM_001198536.2); short protein forms P254S.
Identifiers: ClinVar variation 1935964 (VCV001935964.4), dbSNP rs147421301, ClinGen allele CA7860335.